The following is an entry in ClinVar:

NM_020778.5(ALPK3):c.2515C>T (p.Pro839Ser)

Gene: ALPK3 (alpha kinase 3; plus strand). Cytogenetic location: 15q25.3.
Variant type: single nucleotide variant.
Coding change: c.2515C>T on transcript NM_020778.5 (MANE Select); coding-DNA position 2515, C replaced by T.
Protein change: p.Pro839Ser; replaces proline 839 with serine.
Molecular consequence: missense variant.
Genome position (GRCh38, 1-based): chr15:84,857,253, C>T. VCF-style: chr15-84857253-C-T. GRCh37 (hg19) VCF-style: chr15-85400484-C-T.
Other names: short protein forms P839S.
Identifiers: ClinVar variation 2778530 (VCV002778530.3), dbSNP rs752796329, ClinGen allele CA7709435.

ClinVar aggregate classification (germline): Uncertain significance (1 of 4 stars; one submission).

Allele frequency attached by ClinVar (database versions not stated): TOPMed below 0.00001; ExAC 0.00002; gnomAD exomes 0.00001.
gnomAD v4.1: 21 of 1,614,064 alleles (0.0013%); highest among the groups gnomAD compares: Non-Finnish European, 0.0018%; no homozygotes.

Submission:

Labcorp Genetics (formerly Invitae), Labcorp
Classification: Uncertain significance. Last evaluated: 2025-08-11. Review status: criteria provided, single submitter. Criteria: Invitae Variant Classification Sherloc (09022015). Collection method: clinical testing. Allele origin: germline.
Comment: This sequence change replaces proline, which is neutral and non-polar, with serine, which is neutral and polar, at codon 1041 of the ALPK3 protein (p.Pro1041Ser). This variant is present in population databases (rs752796329, gnomAD 0.002%). This variant has not been reported in the literature in individuals affected with ALPK3-related conditions. ClinVar contains an entry for this variant (Variation ID: 2778530). Invitae Evidence Modeling of protein sequence and biophysical properties (such as structural, functional, and spatial information, amino acid conservation, physicochemical variation, residue mobility, and thermodynamic stability) indicates that this missense variant is not expected to disrupt ALPK3 protein function with a negative predictive value of 80%. In summary, the available evidence is currently insufficient to determine the role of this variant in disease. Therefore, it has been classified as a Variant of Uncertain Significance.